The following is an entry in ClinVar:

NM_001365999.1(SZT2):c.5552G>A (p.Arg1851Gln)

Gene: SZT2 (SZT2 subunit of KICSTOR complex; plus strand). Cytogenetic location: 1p34.2.
Variant type: single nucleotide variant.
Coding change: c.5552G>A on transcript NM_001365999.1 (MANE Select); coding-DNA position 5552, G replaced by A.
Protein change: p.Arg1851Gln; replaces arginine 1851 with glutamine.
Molecular consequence: missense variant.
Genome position (GRCh38, 1-based): chr1:43,432,749, G>A. VCF-style: chr1-43432749-G-A. GRCh37 (hg19) VCF-style: chr1-43898420-G-A.
Other names: c.5381G>A, p.Arg1794Gln (NM_015284.4); short protein forms R1794Q, R1851Q.
Identifiers: ClinVar variation 588575 (VCV000588575.14), dbSNP rs778064948, ClinGen allele CA340025641.

ClinVar aggregate classification (germline): Uncertain significance. Review status: criteria provided, multiple submitters, no conflicts (2 of 4 stars). 3 submissions from 3 submitters: Uncertain significance (3). Last evaluated 2023-07-17.

Conditions:
Inborn genetic diseases. Identifiers: MedGen C0950123, MeSH D030342.
Developmental and epileptic encephalopathy, 18 (DEE18). Also called: Early infantile epileptic encephalopathy 18. Identifiers: Orphanet 369894, MedGen C3809624, MONDO:0014201, OMIM 615476.

Allele frequency attached by ClinVar (database versions not stated): TOPMed 0.00001; gnomAD 0.00001.
gnomAD v4.1: 5 of 1,613,762 alleles (0.00031%); highest among the groups gnomAD compares: Non-Finnish European, 0.00042%; no homozygotes.

Submissions (3):

Labcorp Genetics (formerly Invitae), Labcorp
Classification: Uncertain significance. Last evaluated: 2023-07-17. Review status: criteria provided, single submitter. Criteria: Invitae Variant Classification Sherloc (09022015). Collection method: clinical testing. Allele origin: germline.
Comment: In summary, the available evidence is currently insufficient to determine the role of this variant in disease. Therefore, it has been classified as a Variant of Uncertain Significance. Advanced modeling of protein sequence and biophysical properties (such as structural, functional, and spatial information, amino acid conservation, physicochemical variation, residue mobility, and thermodynamic stability) performed at Invitae indicates that this missense variant is not expected to disrupt SZT2 protein function. ClinVar contains an entry for this variant (Variation ID: 588575). This variant has not been reported in the literature in individuals affected with SZT2-related conditions. This variant is present in population databases (no rsID available, gnomAD 0.002%). This sequence change replaces arginine, which is basic and polar, with glutamine, which is neutral and polar, at codon 1794 of the SZT2 protein (p.Arg1794Gln).

Genome-Nilou Lab
Classification: Uncertain significance for Developmental and epileptic encephalopathy, 18. Last evaluated: 2023-04-11. Review status: criteria provided, single submitter. Criteria: ACMG Guidelines, 2015. Collection method: clinical testing. Allele origin: germline. Affected: no.

Ambry Genetics
Classification: Uncertain significance for Inborn genetic diseases. Last evaluated: 2016-12-20. Review status: criteria provided, single submitter. Criteria: Ambry Variant Classification Scheme 2023. Collection method: clinical testing. Allele origin: germline.
Comment: The p.R1794Q variant (also known as c.5381G>A), located in coding exon 38 of the SZT2 gene, results from a G to A substitution at nucleotide position 5381. The arginine at codon 1794 is replaced by glutamine, an amino acid with highly similar properties. This amino acid position is well conserved in available vertebrate species. In addition, this alteration is predicted to be tolerated by in silico analysis. Since supporting evidence is limited at this time, the clinical significance of this variant remains unclear.